The following is an entry in ClinVar:

ClinVar aggregate classification (germline): Likely benign (1 of 4 stars; one submission).

gnomAD v4.1: 6 of 1,614,080 alleles (0.00037%); highest among the groups gnomAD compares: Middle Eastern, 0.016%; no homozygotes.

Submission:

CeGaT Center for Human Genetics Tuebingen
Classification: Likely benign. Last evaluated: 2026-03-01. Review status: criteria provided, single submitter. Criteria: CeGaT Center For Human Genetics Tuebingen Variant Classification Criteria Version 2. Collection method: clinical testing. Allele origin: germline. Affected: yes. Observed: 2 variant alleles.
Comment: SHANK2: BP4, BP7

NM_012309.5(SHANK2):c.4350G>A (p.Ser1450=)

Gene: SHANK2 (SH3 and multiple ankyrin repeat domains 2; minus strand). Cytogenetic location: 11q13.3.
Variant type: single nucleotide variant.
Coding change: c.4350G>A on transcript NM_012309.5 (MANE Select); coding-DNA position 4350, G replaced by A.
Protein change: p.Ser1450=; no amino-acid change (serine 1450 retained).
Molecular consequence: synonymous variant.
Genome position (GRCh38, 1-based): chr11:70,485,943, C>T on the plus strand (G>A on the coding strand, the complement: SHANK2 is on the minus strand). VCF-style: chr11-70485943-C-T. GRCh37 (hg19) VCF-style: chr11-70332048-C-T.
Other names: c.3213G>A, p.Ser1071= (NM_001379226.1); c.2586G>A, p.Ser862= (NM_133266.5).
Identifiers: ClinVar variation 3770724 (VCV003770724.13).